The following is an entry in ClinVar:

ClinVar aggregate classification (germline): Uncertain significance (1 of 4 stars; one submission).

Conditions:
Primary ciliary dyskinesia. Also called: Ciliary dyskinesia. Identifiers: Orphanet 244, MedGen C0008780, MONDO:0016575, HP:0012265.

Submission:

Ambry Genetics
Classification: Uncertain significance for Primary ciliary dyskinesia. Last evaluated: 2022-08-30. Review status: criteria provided, single submitter. Criteria: Ambry Variant Classification Scheme 2023. Collection method: clinical testing. Allele origin: germline.
Comment: The p.L19F variant (also known as c.55C>T), located in coding exon 1 of the DNAH11 gene, results from a C to T substitution at nucleotide position 55. The leucine at codon 19 is replaced by phenylalanine, an amino acid with highly similar properties. This amino acid position is conserved. In addition, this alteration is predicted to be tolerated by in silico analysis. Since supporting evidence is limited at this time, the clinical significance of this alteration remains unclear.

NM_001277115.2(DNAH11):c.55C>T (p.Leu19Phe)

Gene: DNAH11 (dynein axonemal heavy chain 11; plus strand). Cytogenetic location: 7p15.3.
Variant type: single nucleotide variant.
Coding change: c.55C>T on transcript NM_001277115.2 (MANE Select); coding-DNA position 55, C replaced by T.
Protein change: p.Leu19Phe; replaces leucine 19 with phenylalanine.
Molecular consequence: missense variant.
Genome position (GRCh38, 1-based): chr7:21,543,300, C>T. VCF-style: chr7-21543300-C-T. GRCh37 (hg19) VCF-style: chr7-21582918-C-T.
Other names: c.55C>T, p.Leu19Phe (NM_003777.3); short protein forms L19F.
Identifiers: ClinVar variation 1748556 (VCV001748556.2), dbSNP rs2534409005, ClinGen allele CA366931056.